The following is an entry in ClinVar:

ClinVar aggregate classification (germline): Uncertain significance (1 of 4 stars; one submission).

Conditions:
Hereditary cancer-predisposing syndrome. Also called: Neoplastic Syndromes, Hereditary; Tumor predisposition; Hereditary Cancer Syndrome; Hereditary neoplastic syndrome. Identifiers: Orphanet 140162, MedGen C0027672, MeSH D009386, MONDO:0015356.

Submission:

Ambry Genetics
Classification: Uncertain significance for Hereditary cancer-predisposing syndrome. Last evaluated: 2025-12-10. Review status: criteria provided, single submitter. Criteria: Ambry Variant Classification Scheme 2023. Collection method: clinical testing. Allele origin: germline.
Comment: The p.H870N variant (also known as c.2608C>A), located in coding exon 18 of the BRIP1 gene, results from a C to A substitution at nucleotide position 2608. The histidine at codon 870 is replaced by asparagine, an amino acid with similar properties. This amino acid position is conserved. In addition, this alteration is predicted to be tolerated by in silico analysis. Based on the available evidence, the clinical significance of this variant remains unclear.

NM_032043.3(BRIP1):c.2608C>A (p.His870Asn)

Gene: BRIP1 (BRCA1 interacting DNA helicase 1; minus strand). Cytogenetic location: 17q23.2.
Variant type: single nucleotide variant.
Coding change: c.2608C>A on transcript NM_032043.3 (MANE Select); coding-DNA position 2608, C replaced by A.
Protein change: p.His870Asn; replaces histidine 870 with asparagine.
Molecular consequence: missense variant.
Genome position (GRCh38, 1-based): chr17:61,686,133, G>T on the plus strand (C>A on the coding strand, the complement: BRIP1 is on the minus strand). VCF-style: chr17-61686133-G-T. GRCh37 (hg19) VCF-style: chr17-59763494-G-T.
Other names: short protein forms H870N.
Identifiers: ClinVar variation 4631218 (VCV004631218.1).